The following is an entry in ClinVar:

NM_152542.5(PPM1K):c.657C>T (p.Pro219=)

Gene: PPM1K (protein phosphatase, Mg2+/Mn2+ dependent 1K; minus strand). Cytogenetic location: 4q22.1.
Variant type: single nucleotide variant.
Coding change: c.657C>T on transcript NM_152542.5 (MANE Select); coding-DNA position 657, C replaced by T.
Protein change: p.Pro219=; no amino-acid change (proline 219 retained).
Molecular consequence: synonymous variant.
Genome position (GRCh38, 1-based): chr4:88,268,791, G>A on the plus strand (C>T on the coding strand, the complement: PPM1K is on the minus strand). VCF-style: chr4-88268791-G-A. GRCh37 (hg19) VCF-style: chr4-89189943-G-A.
Identifiers: ClinVar variation 792280 (VCV000792280.5), dbSNP rs371481361, ClinGen allele CA101405137.

ClinVar aggregate classification (germline): Likely benign. Review status: criteria provided, single submitter (1 of 4 stars). 2 submissions from 2 submitters: Likely benign (1). 1 of the submissions does not count toward it. Last evaluated 2018-10-10.

Conditions:
PPM1K-related disorder. Also called: PPM1K-related condition.

Allele frequency attached by ClinVar (database versions not stated): gnomAD 0.00001; TOPMed 0.00001; gnomAD exomes 0.00002; ESP Exome Variant Server 0.00008.
gnomAD v4.1: 25 of 1,613,852 alleles (0.0015%); highest among the groups gnomAD compares: Non-Finnish European, 0.0021%; no homozygotes.

Submissions (2):

Labcorp Genetics (formerly Invitae), Labcorp
Classification: Likely benign. Last evaluated: 2018-10-10. Review status: criteria provided, single submitter. Criteria: Invitae Variant Classification Sherloc (09022015). Collection method: clinical testing. Allele origin: germline.

PreventionGenetics, part of Exact Sciences
Classification: Likely benign for PPM1K-related condition. Last evaluated: 2020-02-14. Review status: no assertion criteria provided. Collection method: clinical testing. Allele origin: germline. Not counted in ClinVar's aggregate classification.
Comment: This variant is classified as likely benign based on ACMG/AMP sequence variant interpretation guidelines (Richards et al. 2015 PMID: 25741868, with internal and published modifications).